The following is an entry in ClinVar:

NM_001134363.3(RBM20):c.622G>A (p.Gly208Ser)

Gene: RBM20 (RNA binding motif protein 20; plus strand). Cytogenetic location: 10q25.2.
Variant type: single nucleotide variant.
Coding change: c.622G>A on transcript NM_001134363.3 (MANE Select); coding-DNA position 622, G replaced by A.
Protein change: p.Gly208Ser; replaces glycine 208 with serine.
Molecular consequence: missense variant.
Genome position (GRCh38, 1-based): chr10:110,781,231, G>A. VCF-style: chr10-110781231-G-A. GRCh37 (hg19) VCF-style: chr10-112540989-G-A.
Other names: short protein forms G208S.
Identifiers: ClinVar variation 4780080 (VCV004780080.2).

ClinVar aggregate classification (germline): Uncertain significance. Review status: criteria provided, multiple submitters, no conflicts (2 of 4 stars). 2 submissions from 2 submitters: Uncertain significance (2). Last evaluated 2025-04-13.

Conditions:
Dilated cardiomyopathy 1DD (CMD1DD). Identifiers: Orphanet 154, MedGen C2750995, MONDO:0013168, OMIM 613172.

Submissions (2):

Labcorp Genetics (formerly Invitae), Labcorp
Classification: Uncertain significance for Dilated cardiomyopathy 1DD. Last evaluated: 2025-04-13. Review status: criteria provided, single submitter. Criteria: Invitae Variant Classification Sherloc (09022015). Collection method: clinical testing. Allele origin: germline.
Comment: This sequence change replaces glycine, which is neutral and non-polar, with serine, which is neutral and polar, at codon 208 of the RBM20 protein (p.Gly208Ser). This variant is not present in population databases (gnomAD no frequency). This variant has not been reported in the literature in individuals affected with RBM20-related conditions. Invitae Evidence Modeling of protein sequence and biophysical properties (such as structural, functional, and spatial information, amino acid conservation, physicochemical variation, residue mobility, and thermodynamic stability) indicates that this missense variant is not expected to disrupt RBM20 protein function with a negative predictive value of 95%. In summary, the available evidence is currently insufficient to determine the role of this variant in disease. Therefore, it has been classified as a Variant of Uncertain Significance.

Blueprint Genetics
Classification: Uncertain significance. Last evaluated: 2017-09-06. Review status: criteria provided, single submitter. Criteria: ACMG Guidelines, 2015. Collection method: clinical testing. Allele origin: germline.